The following is an entry in ClinVar:

NM_001127222.2(CACNA1A):c.4755+12A>C

Gene: CACNA1A (calcium voltage-gated channel subunit alpha1 A; minus strand). Cytogenetic location: 19p13.13.
Variant type: single nucleotide variant.
Coding change: c.4755+12A>C on transcript NM_001127222.2 (MANE Select); 12 bases into the intron after coding-DNA position 4755, A replaced by C.
Molecular consequence: intron variant.
Genome position (GRCh38, 1-based): chr19:13,255,083, T>G on the plus strand (A>C on the coding strand, the complement: CACNA1A is on the minus strand). VCF-style: chr19-13255083-T-G. GRCh37 (hg19) VCF-style: chr19-13365897-T-G.
Other names: c.4758+12A>C (NM_001127221.2, NM_001174080.2); c.4767+12A>C (NM_000068.4, NM_023035.3).
Identifiers: ClinVar variation 387306 (VCV000387306.1), dbSNP rs1057522757, ClinGen allele CA16608129.

ClinVar aggregate classification (germline): Likely benign (1 of 4 stars; one submission).

Allele frequency attached by ClinVar (database versions not stated): TOPMed below 0.00001; gnomAD 0.00001; gnomAD exomes 0.00001.
gnomAD v4.1: 4 of 1,613,082 alleles (0.00025%); highest among the groups gnomAD compares: Non-Finnish European, 0.00034%; no homozygotes.

Submission:

GeneDx
Classification: Likely benign. Last evaluated: 2016-07-01. Review status: criteria provided, single submitter. Criteria: GeneDx Variant Classification (06012015). Collection method: clinical testing. Allele origin: germline. Affected: yes.
Comment: This variant is considered likely benign or benign based on one or more of the following criteria: it is a conservative change, it occurs at a poorly conserved position in the protein, it is predicted to be benign by multiple in silico algorithms, and/or has population frequency not consistent with disease.